The following is an entry in ClinVar:

ClinVar aggregate classification (germline): Likely benign (1 of 4 stars; one submission).

gnomAD v4.1: 240 of 1,171,069 alleles (0.02%); highest among the groups gnomAD compares: Non-Finnish European, 0.027%; no homozygotes.

Submission:

CeGaT Center for Human Genetics Tuebingen
Classification: Likely benign. Last evaluated: 2026-01-01. Review status: criteria provided, single submitter. Criteria: CeGaT Center For Human Genetics Tuebingen Variant Classification Criteria Version 2. Collection method: clinical testing. Allele origin: germline. Affected: yes. Observed: 1 variant allele.
Comment: PHF8: BP4, BS2

NM_015107.3(PHF8):c.2130-8C>G

Gene: PHF8 (PHD finger protein 8; minus strand). Cytogenetic location: Xp11.22.
Variant type: single nucleotide variant.
Coding change: c.2130-8C>G on transcript NM_015107.3 (MANE Select); 8 bases into the intron before coding-DNA position 2130, C replaced by G.
Molecular consequence: intron variant.
Genome position (GRCh38, 1-based): chrX:53,985,235, G>C on the plus strand (C>G on the coding strand, the complement: PHF8 is on the minus strand). VCF-style: chrX-53985235-G-C. GRCh37 (hg19) VCF-style: chrX-54011668-G-C.
Other names: c.1935-8C>G (NM_001441096.1, NM_001441098.1); c.2238-8C>G (NM_001184896.1, NM_001441097.1); c.1827-8C>G (NM_001184897.2); c.2079-8C>G (NM_001184898.2).
Identifiers: ClinVar variation 4822073 (VCV004822073.4).